The following is an entry in ClinVar:

NM_001130009.3(GEN1):c.1301T>A (p.Phe434Tyr)

Gene: GEN1 (GEN1 structure-specific endonuclease; plus strand). Cytogenetic location: 2p24.2.
Variant type: single nucleotide variant.
Coding change: c.1301T>A on transcript NM_001130009.3 (MANE Select); coding-DNA position 1301, T replaced by A.
Protein change: p.Phe434Tyr; replaces phenylalanine 434 with tyrosine.
Molecular consequence: missense variant.
Genome position (GRCh38, 1-based): chr2:17,780,014, T>A. VCF-style: chr2-17780014-T-A. GRCh37 (hg19) VCF-style: chr2-17961281-T-A.
Other names: c.1301T>A, p.Phe434Tyr (NM_182625.5); short protein forms F434Y.
Identifiers: ClinVar variation 4844971 (VCV004844971.1).
Genomic context (GRCh38, chr2:17,780,014, plus strand): 5'-TTTGCTGTATTTTTAATCTTTTAGAACATTATGCTATGGAAGATAAACAACATGGAGAAT[T>A]TGCTTTATTAACAATTGAGGAAGAATCATTGTTTGAAGCAGCATATCCTGAGATCGTTGC-3'
Protein context (NP_001123481.3, residues 424-444): YAMEDKQHGE[Phe434Tyr]ALLTIEEESL

ClinVar aggregate classification (germline): Uncertain significance (1 of 4 stars; one submission).

Submission:

Ambry Genetics
Classification: Uncertain significance. Last evaluated: 2026-01-24. Review status: criteria provided, single submitter. Criteria: Ambry Variant Classification Scheme 2023. Collection method: clinical testing. Allele origin: germline.
Comment: The p.F434Y variant (also known as c.1301T>A), located in coding exon 12 of the GEN1 gene, results from a T to A substitution at nucleotide position 1301. The phenylalanine at codon 434 is replaced by tyrosine, an amino acid with highly similar properties. This amino acid position is conserved. In addition, this alteration is predicted to be tolerated by in silico analysis. Based on the available evidence, the clinical significance of this variant remains unclear.